The following is an entry in ClinVar:

ClinVar aggregate classification (germline): Uncertain significance. Review status: criteria provided, multiple submitters, no conflicts (2 of 4 stars). 2 submissions from 2 submitters: Uncertain significance (2). Last evaluated 2025-12-16.

Conditions:
Inborn genetic diseases. Identifiers: MedGen C0950123, MeSH D030342.
Brachyolmia-amelogenesis imperfecta syndrome. Also called: PLATYSPONDYLY WITH AMELOGENESIS IMPERFECTA; Tooth agenesis, selective, 6; Dental anomalies and short stature. Identifiers: Orphanet 2899, MedGen C1832594, MONDO:0011018, OMIM 601216. Disease mechanism: loss of function.

Allele frequency attached by ClinVar (database versions not stated): TOPMed below 0.00001; gnomAD 0.00002; ExAC 0.00005; 1000 Genomes Project 30x 0.00016.
gnomAD v4.1: 13 of 1,512,332 alleles (0.00086%); highest among the groups gnomAD compares: East Asian, 0.02%; no homozygotes.

Submissions (2):

Ambry Genetics
Classification: Uncertain significance for Inborn genetic diseases. Last evaluated: 2025-12-16. Review status: criteria provided, single submitter. Criteria: Ambry Variant Classification Scheme 2023. Collection method: clinical testing. Allele origin: germline.

Labcorp Genetics (formerly Invitae), Labcorp
Classification: Uncertain significance for Brachyolmia-amelogenesis imperfecta syndrome. Last evaluated: 2022-08-04. Review status: criteria provided, single submitter. Criteria: Invitae Variant Classification Sherloc (09022015). Collection method: clinical testing. Allele origin: germline.
Comment: This sequence change replaces valine, which is neutral and non-polar, with leucine, which is neutral and non-polar, at codon 227 of the LTBP3 protein (p.Val227Leu). The frequency data for this variant in the population databases is considered unreliable, as metrics indicate poor data quality at this position in the gnomAD database. This variant has not been reported in the literature in individuals affected with LTBP3-related conditions. Algorithms developed to predict the effect of missense changes on protein structure and function (SIFT, PolyPhen-2, Align-GVGD) all suggest that this variant is likely to be tolerated. In summary, the available evidence is currently insufficient to determine the role of this variant in disease. Therefore, it has been classified as a Variant of Uncertain Significance.

NM_001130144.3(LTBP3):c.679G>C (p.Val227Leu)

Gene: LTBP3 (latent transforming growth factor beta binding protein 3; minus strand). Cytogenetic location: 11q13.1.
Variant type: single nucleotide variant.
Coding change: c.679G>C on transcript NM_001130144.3 (MANE Select); coding-DNA position 679, G replaced by C.
Protein change: p.Val227Leu; replaces valine 227 with leucine.
Molecular consequence: missense variant.
Genome position (GRCh38, 1-based): chr11:65,553,886, C>G on the plus strand (G>C on the coding strand, the complement: LTBP3 is on the minus strand). VCF-style: chr11-65553886-C-G. GRCh37 (hg19) VCF-style: chr11-65321357-C-G.
Other names: c.328G>C, p.Val110Leu (NM_001164266.1); c.679G>C, p.Val227Leu (NM_021070.4); c.679G>C (NM_001130144.2); short protein forms V227L, V110L.
Identifiers: ClinVar variation 1944639 (VCV001944639.6), dbSNP rs779113795, ClinGen allele CA6101173.